The following is an entry in ClinVar:

ClinVar aggregate classification (germline): Uncertain significance (1 of 4 stars; one submission).

gnomAD v4.1: 1 of 1,608,506 alleles (0.000062%); highest among the groups gnomAD compares: Admixed American, 0.0017%; no homozygotes.

Submission:

Labcorp Genetics (formerly Invitae), Labcorp
Classification: Uncertain significance. Last evaluated: 2024-03-07. Review status: criteria provided, single submitter. Criteria: Invitae Variant Classification Sherloc (09022015). Collection method: clinical testing. Allele origin: germline.
Comment: This sequence change replaces valine, which is neutral and non-polar, with isoleucine, which is neutral and non-polar, at codon 118 of the GUCY2C protein (p.Val118Ile). This variant is present in population databases (no rsID available, gnomAD 0.003%). This variant has not been reported in the literature in individuals affected with GUCY2C-related conditions. Advanced modeling of protein sequence and biophysical properties (such as structural, functional, and spatial information, amino acid conservation, physicochemical variation, residue mobility, and thermodynamic stability) performed at Invitae indicates that this missense variant is not expected to disrupt GUCY2C protein function with a negative predictive value of 80%. In summary, the available evidence is currently insufficient to determine the role of this variant in disease. Therefore, it has been classified as a Variant of Uncertain Significance.

NM_004963.4(GUCY2C):c.352G>A (p.Val118Ile)

Genes: GUCY2C (guanylate cyclase 2C; minus strand), GUCY2C-AS1 (GUCY2C antisense RNA 1; plus strand). Cytogenetic location: 12p12.3.
Variant type: single nucleotide variant.
Coding change: c.352G>A on transcript NM_004963.4 (MANE Select); coding-DNA position 352, G replaced by A.
Protein change: p.Val118Ile; replaces valine 118 with isoleucine.
Molecular consequence: missense variant.
Genome position (GRCh38, 1-based): chr12:14,686,204, C>T on the plus strand (G>A on the coding strand, the complement: GUCY2C is on the minus strand). VCF-style: chr12-14686204-C-T. GRCh37 (hg19) VCF-style: chr12-14839138-C-T.
Other names: short protein forms V118I.
Identifiers: ClinVar variation 3645076 (VCV003645076.2).